The following is an entry in ClinVar:

NM_000535.7(PMS2):c.1274C>T (p.Ser425Phe)

Gene: PMS2 (PMS1 homolog 2, mismatch repair system component; minus strand). Cytogenetic location: 7p22.1.
Variant type: single nucleotide variant.
Coding change: c.1274C>T on transcript NM_000535.7 (MANE Select); coding-DNA position 1274, C replaced by T.
Protein change: p.Ser425Phe; replaces serine 425 with phenylalanine.
Molecular consequence: missense variant. On other transcripts: non-coding transcript variant (1), intron variant (1).
Genome position (GRCh38, 1-based): chr7:5,987,491, G>A on the plus strand (C>T on the coding strand, the complement: PMS2 is on the minus strand). VCF-style: chr7-5987491-G-A. GRCh37 (hg19) VCF-style: chr7-6027122-G-A.
Other names: c.869C>T, p.Ser290Phe (NM_001018040.1, NM_001322003.2, NM_001322004.2 and 17 more transcripts); c.1118C>T, p.Ser373Phe (NM_001322006.2, NM_001406870.1); c.956C>T, p.Ser319Phe (NM_001322007.2, NM_001322008.2, NM_001406876.1 and 2 more transcripts); c.1274C>T, p.Ser425Phe (NM_001406871.1, NM_001406872.1, NM_001322014.2); c.1076C>T, p.Ser359Phe (NM_001406873.1); c.1106C>T, p.Ser369Phe (NM_001406874.1); c.965C>T, p.Ser322Phe (NM_001406875.1, NM_001406877.1, NM_001406878.1 and 5 more transcripts); c.701C>T, p.Ser234Phe (NM_001406909.1, NM_001322013.2); and 13 more; short protein forms S114F, S234F, S290F, S303F, S369F, S373F, S168F, S254F.
Identifiers: ClinVar variation 3013106 (VCV003013106.3), dbSNP rs1783150023, ClinGen allele CA366742435.

ClinVar aggregate classification (germline): Uncertain significance (1 of 4 stars; one submission).

Conditions:
Hereditary nonpolyposis colorectal neoplasms. Identifiers: MedGen C0009405, MeSH D003123.

gnomAD v4.1: 1 of 1,614,172 alleles (0.000062%); no homozygotes.

Submission:

Labcorp Genetics (formerly Invitae), Labcorp
Classification: Uncertain significance for Hereditary nonpolyposis colorectal neoplasms. Last evaluated: 2023-12-30. Review status: criteria provided, single submitter. Criteria: Invitae Variant Classification Sherloc (09022015). Collection method: clinical testing. Allele origin: germline.
Comment: This sequence change replaces serine, which is neutral and polar, with phenylalanine, which is neutral and non-polar, at codon 425 of the PMS2 protein (p.Ser425Phe). This variant is not present in population databases (gnomAD no frequency). This variant has not been reported in the literature in individuals affected with PMS2-related conditions. Advanced modeling of protein sequence and biophysical properties (such as structural, functional, and spatial information, amino acid conservation, physicochemical variation, residue mobility, and thermodynamic stability) performed at Invitae indicates that this missense variant is expected to disrupt PMS2 protein function with a positive predictive value of 80%. In summary, the available evidence is currently insufficient to determine the role of this variant in disease. Therefore, it has been classified as a Variant of Uncertain Significance.